The following is an entry in ClinVar:

ClinVar aggregate classification (germline): Benign/Likely benign. Review status: criteria provided, multiple submitters, no conflicts (2 of 4 stars). 11 submissions from 11 submitters: Benign (7); Likely benign (3). 1 of the submissions does not count toward it. Last evaluated 2026-02-02.

Conditions:
Alport syndrome. Also called: Hemorrhagic familial nephritis; Hemorrhagic hereditary nephritis; Congenital hereditary hematuria. Identifiers: Orphanet 63, MedGen C1567741, MONDO:0018965.
Focal segmental glomerulosclerosis (FSGS). Also called: Glomerulosclerosis, focal; Focal sclerosis with hyalinosis. Identifiers: MedGen C0017668, MONDO:0100313, HP:0000097. Disease mechanism: loss of function.

Allele frequency attached by ClinVar (database versions not stated): ExAC 0.00463; ESP Exome Variant Server 0.01334; 1000 Genomes Project 30x 0.01421; gnomAD 0.01457 and 0.01576; 1000 Genomes Project 0.01478; TOPMed 0.01603.
gnomAD v4.1: 4,601 of 1,613,722 alleles (0.29%); highest among the groups gnomAD compares: African/African-American, 5.1%; 87 homozygotes.

Submissions (11):

Labcorp Genetics (formerly Invitae), Labcorp
Classification: Benign. Last evaluated: 2026-02-02. Review status: criteria provided, single submitter. Criteria: Invitae Variant Classification Sherloc (09022015). Collection method: clinical testing. Allele origin: germline.

Blueprint Genetics
Classification: Likely benign. Last evaluated: 2024-11-11. Review status: criteria provided, single submitter. Criteria: ACMG Guidelines, 2015. Collection method: clinical testing. Allele origin: germline.

Mayo Clinic Laboratories, Mayo Clinic
Classification: Benign. Last evaluated: 2023-04-10. Review status: criteria provided, single submitter. Criteria: ACMG Guidelines, 2015. Collection method: clinical testing. Allele origin: germline. Observed: 5 variant alleles.

ARUP Laboratories, Molecular Genetics and Genomics, ARUP Laboratories
Classification: Benign. Last evaluated: 2023-03-06. Review status: criteria provided, single submitter. Criteria: ARUP Molecular Germline Variant Investigation Process 2024. Collection method: clinical testing. Allele origin: germline.

Genome Diagnostics Laboratory, The Hospital for Sick Children
Classification: Benign for Focal segmental glomerulosclerosis. Last evaluated: 2021-10-15. Review status: criteria provided, single submitter. Criteria: ACMG Guidelines, 2015. Collection method: clinical testing. Allele origin: germline.

GeneDx
Classification: Benign. Last evaluated: 2017-10-23. Review status: criteria provided, single submitter. Criteria: GeneDx Variant Classification (06012015). Collection method: clinical testing. Allele origin: germline. Affected: yes.
Comment: This variant is considered likely benign or benign based on one or more of the following criteria: it is a conservative change, it occurs at a poorly conserved position in the protein, it is predicted to be benign by multiple in silico algorithms, and/or has population frequency not consistent with disease.

Illumina Laboratory Services, Illumina
Classification: Likely benign for Alport syndrome. Last evaluated: 2017-04-27. Review status: criteria provided, single submitter. Criteria: ICSL Variant Classification Criteria 13 December 2019. Collection method: clinical testing. Allele origin: germline.
Comment: This variant was observed as part of a predisposition screen in an ostensibly healthy population. A literature search was performed for the gene, cDNA change, and amino acid change (where applicable). No publications were found based on this search. Allele frequency data from public databases allowed determination this variant is unlikely to cause disease. Therefore, this variant is classified as likely benign.

Laboratory for Molecular Medicine, Mass General Brigham Personalized Medicine
Classification: Benign. Last evaluated: 2016-03-21. Review status: criteria provided, single submitter. Criteria: LMM Criteria. Collection method: clinical testing. Allele origin: germline. Observed: 5 variant alleles.
Comment: p.Pro441Pro in exon 20 of COL4A4: This variant is not expected to have clinical significance because it does not alter an amino acid residue, is not located wit hin the splice consensus sequence, and has been identified in 5.16% (498/9646) o f African chromosomes by the Exome Aggregation Consortium (ExAC; dbSNP rs35830639).

Breakthrough Genomics
Classification: Likely benign. Review status: criteria provided, single submitter. Criteria: ACMG Guidelines, 2015. Collection method: not provided. Allele origin: germline. Inheritance: Autosomal recessive inheritance. Affected: yes.

PreventionGenetics, part of Exact Sciences
Classification: Benign. Review status: criteria provided, single submitter. Criteria: ACMG Guidelines, 2015. Collection method: clinical testing. Allele origin: germline.

Natera, Inc.
Classification: Benign for Alport syndrome. Last evaluated: 2020-09-16. Review status: no assertion criteria provided. Collection method: clinical testing. Allele origin: germline. Not counted in ClinVar's aggregate classification.

NM_000092.5(COL4A4):c.1323T>C (p.Pro441=)

Gene: COL4A4 (collagen type IV alpha 4 chain; minus strand). Cytogenetic location: 2q36.3.
Variant type: single nucleotide variant.
Coding change: c.1323T>C on transcript NM_000092.5 (MANE Select); coding-DNA position 1323, T replaced by C.
Protein change: p.Pro441=; no amino-acid change (proline 441 retained).
Molecular consequence: synonymous variant.
Genome position (GRCh38, 1-based): chr2:227,094,171, A>G on the plus strand (T>C on the coding strand, the complement: COL4A4 is on the minus strand). VCF-style: chr2-227094171-A-G. GRCh37 (hg19) VCF-style: chr2-227958887-A-G.
Other names: p.Pro441=.
Identifiers: ClinVar variation 255013 (VCV000255013.25), dbSNP rs35830639, ClinGen allele CA2145218.
Genomic context (GRCh38, chr2:227,094,171, plus strand): 5'-AAGGAGTACTTTACCACTTGATCCTGGGAGGCCCTGCAGGCCTGGTGCTCCAGGCAAGCC[A>G]GGTGATCCTGGCTTCCCTGGTTTTCCTGGAGCAGAATCAGGTCTCCCAGGAATACCAGCT-3'
Protein context (NP_000083.3, residues 431-451): APGKPGKPGS[Pro441=]GLPGAPGLQG